The following is an entry in ClinVar:

ClinVar aggregate classification (germline): Uncertain significance (1 of 4 stars; one submission).

Conditions:
SCAF4-related disorder. Also called: SCAF4-related condition.

Submission:

PreventionGenetics, part of Exact Sciences
Classification: Uncertain significance for SCAF4-related condition. Last evaluated: 2025-06-11. Review status: criteria provided, single submitter. Criteria: ACMG Guidelines, 2015. Collection method: clinical testing. Allele origin: germline.
Comment: The SCAF4 c.3284C>T variant is predicted to result in the amino acid substitution p.Pro1095Leu. To our knowledge, this variant has not been reported in the literature. This variant is absent in a large population database (gnomAD), indicating this variant is rare. At this time, the clinical significance of this variant is uncertain due to the absence of conclusive functional and genetic evidence.

NM_020706.2(SCAF4):c.3284C>T (p.Pro1095Leu)

Gene: SCAF4 (SR-related CTD associated factor 4; minus strand). Cytogenetic location: 21q22.11.
Variant type: single nucleotide variant.
Coding change: c.3284C>T on transcript NM_020706.2 (MANE Select); coding-DNA position 3284, C replaced by T.
Protein change: p.Pro1095Leu; replaces proline 1095 with leucine.
Molecular consequence: missense variant.
Genome position (GRCh38, 1-based): chr21:31,671,559, G>A on the plus strand (C>T on the coding strand, the complement: SCAF4 is on the minus strand). VCF-style: chr21-31671559-G-A. GRCh37 (hg19) VCF-style: chr21-33043872-G-A.
Other names: c.3239C>T, p.Pro1080Leu (NM_001145444.1); c.3218C>T, p.Pro1073Leu (NM_001145445.1); short protein forms P1073L, P1080L, P1095L.
Identifiers: ClinVar variation 5001979 (VCV005001979.1).
Genomic context (GRCh38, chr21:31,671,559, plus strand): 5'-TCAGACACCCCCTTCTCAAGTTCTGAAGCAGTGTCTACATTTCCCACTTGGCTAATGGGA[G>A]GTTCAACGGTTTTGTTACCACCTGCCCTGTCTGTCACCTCAGGCTTTTCCTTTCCTCGGG-3'
Protein context (NP_065757.1, residues 1085-1105): DRAGGNKTVE[Pro1095Leu]PISQVGNVDT